The following is an entry in ClinVar:

NM_000091.5(COL4A3):c.*595A>T

Genes: COL4A3 (collagen type IV alpha 3 chain; plus strand), MFF-DT (MFF divergent transcript; minus strand). Cytogenetic location: 2q36.3.
Variant type: single nucleotide variant.
Coding change: c.*595A>T on transcript NM_000091.5 (MANE Select); 595 bases downstream of the stop codon, A replaced by T.
Molecular consequence: 3 prime UTR variant.
Genome position (GRCh38, 1-based): chr2:227,312,465, A>T. VCF-style: chr2-227312465-A-T. GRCh37 (hg19) VCF-style: chr2-228177181-A-T.
Identifiers: ClinVar variation 334795 (VCV000334795.6), dbSNP rs56123646, ClinGen allele CA10613016.
Genomic context (GRCh38, chr2:227,312,465, plus strand): 5'-CTGAACTGAGGTTCATGGATTTTCCAGGACTGTTTCAAACATGCCCATTACTAACGGCAA[A>T]AGGGGGATTCCCTGATGGAACCATAATACCCTTGGAAATACTGTATGGTTTTGTTTTGTT-3'

ClinVar aggregate classification (germline): Benign. Review status: criteria provided, multiple submitters, no conflicts (2 of 4 stars). 2 submissions from 2 submitters: Benign (2). Last evaluated 2018-01-13.

Conditions:
Alport syndrome. Also called: Hemorrhagic familial nephritis; Hemorrhagic hereditary nephritis; Congenital hereditary hematuria. Identifiers: Orphanet 63, MedGen C1567741, MONDO:0018965.

Allele frequency attached by ClinVar (database versions not stated): 1000 Genomes Project 0.04473; 1000 Genomes Project 30x 0.04638; TOPMed 0.08832; gnomAD 0.09515 and 0.09853; gnomAD exomes 0.11927.
gnomAD v4.1: 14,578 of 152,420 alleles (9.6%); highest among the groups gnomAD compares: Non-Finnish European, 15%; 924 homozygotes.

Submissions (2):

Illumina Laboratory Services, Illumina
Classification: Benign for Alport syndrome. Last evaluated: 2018-01-13. Review status: criteria provided, single submitter. Criteria: ICSL Variant Classification Criteria 13 December 2019. Collection method: clinical testing. Allele origin: germline.
Comment: This variant was observed in the ICSL laboratory as part of a predisposition screen in an ostensibly healthy population. It had not been previously curated by ICSL or reported in the Human Gene Mutation Database (HGMD: prior to June 1st, 2018), and was therefore a candidate for classification through an automated scoring system. Utilizing variant allele frequency, disease prevalence and penetrance estimates, and inheritance mode, an automated score was calculated to assess if this variant is too frequent to cause the disease. Based on the score and internal cut-off values, a variant classified as benign is not then subjected to further curation. The score for this variant resulted in a classification of benign for this disease.

Breakthrough Genomics
Classification: Benign. Review status: criteria provided, single submitter. Criteria: ACMG Guidelines, 2015. Collection method: not provided. Allele origin: germline. Inheritance: Autosomal recessive inheritance. Affected: yes.